The following is an entry in ClinVar:

ClinVar aggregate classification (germline): Pathogenic (1 of 4 stars; one submission).

Submission:

Labcorp Genetics (formerly Invitae), Labcorp
Classification: Pathogenic. Last evaluated: 2025-05-19. Review status: criteria provided, single submitter. Criteria: Invitae Variant Classification Sherloc (09022015). Collection method: clinical testing. Allele origin: germline.
Comment: This sequence change creates a premature translational stop signal (p.Gln1626*) in the DMXL2 gene. It is expected to result in an absent or disrupted protein product. Loss-of-function variants in DMXL2 are known to be pathogenic (PMID: 30237576, 31688942). This variant is not present in population databases (gnomAD no frequency). This variant has not been reported in the literature in individuals affected with DMXL2-related conditions. ClinVar contains an entry for this variant (Variation ID: 2028810). For these reasons, this variant has been classified as Pathogenic.

Literature cited by the submitters: PubMed 30237576; PubMed 31688942.

NM_001378457.1(DMXL2):c.4876C>T (p.Gln1626Ter)

Gene: DMXL2 (Dmx like 2; minus strand). Cytogenetic location: 15q21.2.
Variant type: single nucleotide variant.
Coding change: c.4876C>T on transcript NM_001378457.1 (MANE Select); coding-DNA position 4876, C replaced by T.
Protein change: p.Gln1626Ter; replaces glutamine 1626 with a stop codon.
Molecular consequence: nonsense. On other transcripts: non-coding transcript variant (2).
Genome position (GRCh38, 1-based): chr15:51,491,655, G>A on the plus strand (C>T on the coding strand, the complement: DMXL2 is on the minus strand). VCF-style: chr15-51491655-G-A. GRCh37 (hg19) VCF-style: chr15-51783852-G-A.
Other names: c.4876C>T, p.Gln1626Ter (NM_001174116.3, NM_001378458.1, NM_001378459.1 and 4 more transcripts); c.2968C>T, p.Gln990Ter (NM_001174117.3); c.2857C>T, p.Gln953Ter (NM_001378460.1); c.4636C>T, p.Gln1546Ter (NM_001378464.1); short protein forms Q990*, Q1546*, Q1626*, Q953*.
Identifiers: ClinVar variation 2028810 (VCV002028810.4), dbSNP rs1192453905, ClinGen allele CA392428468.